The following is an entry in ClinVar:

NM_001267550.2(TTN):c.101552_101553del (p.Lys33851fs)

Genes: TTN (titin; minus strand), TTN-AS1 (TTN antisense RNA 1; plus strand). Cytogenetic location: 2q31.2.
Variant type: Deletion.
Coding change: c.101552_101553del on transcript NM_001267550.2 (MANE Select); coding-DNA positions 101552 to 101553, 2 bases deleted (AA; older notation c.101552_101553delAA).
Protein change: p.Lys33851fs; shifts the reading frame from lysine 33851.
Molecular consequence: frameshift variant.
Genome position (GRCh38, 1-based): chr2:178,535,062-178,535,063, TT deleted on the plus strand (AA on the coding strand, the reverse complement: TTN is on the minus strand); deleting any 2 consecutive bases within chr2:178,535,062-178,535,064 gives the same sequence; the c. name uses the placement nearest the transcript's 3' end. VCF-style (leftmost placement, unchanged base first): chr2-178535061-CTT-C. GRCh37 (hg19) VCF-style: chr2-179399788-CTT-C.
Other names: c.96629_96630del, p.Lys32210fs (NM_001256850.1); c.74357_74358del, p.Lys24786fs (NM_003319.4); c.93848_93849del, p.Lys31283fs (NM_133378.4); c.74732_74733del, p.Lys24911fs (NM_133432.3); c.74933_74934del, p.Lys24978fs (NM_133437.4); short protein forms K24786fs, K24911fs, K24978fs, K31283fs, K32210fs, K33851fs.
Identifiers: ClinVar variation 3759993 (VCV003759993.2).
Genomic context (GRCh38, chr2:178,535,061, plus strand): 5'-GCCTAGCAATATTCAGAATGGAAATTTCCTTCTTTACCAAAACCTGATCAGTCCCTTTGA[CTT>C]TAACAAATTTGGCCATGTATGTCTTCTTTGAGGATGTTTCAACACAACGATGGACAATTC-3'

ClinVar aggregate classification (germline): Likely pathogenic (1 of 4 stars; one submission).

Conditions:
Dilated cardiomyopathy 1G (CMD1G). Identifiers: Orphanet 154, MedGen C1858763, MONDO:0011400, OMIM 604145.
Autosomal recessive limb-girdle muscular dystrophy type 2J (LGMDR10). Also called: Limb-girdle muscular dystrophy, type 2J; MUSCULAR DYSTROPHY, LIMB-GIRDLE, AUTOSOMAL RECESSIVE 10. Identifiers: Orphanet 140922, MedGen C1837342, MONDO:0012127, OMIM 608807.

Submission:

Labcorp Genetics (formerly Invitae), Labcorp
Classification: Likely pathogenic for Dilated cardiomyopathy 1G; Autosomal recessive limb-girdle muscular dystrophy type 2J. Last evaluated: 2025-03-03. Review status: criteria provided, single submitter. Criteria: Invitae Variant Classification Sherloc (09022015). Collection method: clinical testing. Allele origin: germline.
Comment: This sequence change creates a premature translational stop signal (p.Lys33851Serfs*5) in the TTN gene. While this is not anticipated to result in nonsense mediated decay, it is expected to create a truncated TTN protein. This variant is not present in population databases (gnomAD no frequency). This variant has not been reported in the literature in individuals affected with TTN-related conditions. This variant is located in the M band of TTN (PMID: 25589632). Truncating variants in this region have been previously reported in individuals affected with autosomal dominant or autosomal recessive myopathy and muscular dystrophy (PMID: 18948003, 23975875, 24395473). Truncating variants in this region have also been identified in individuals affected with autosomal dominant dilated cardiomyopathy and/or cardio-related conditions (PMID: 27869827, 32964742, internal data). In summary, the currently available evidence indicates that the variant is pathogenic, but additional data are needed to prove that conclusively. Therefore, this variant has been classified as Likely Pathogenic.

Literature cited by the submitters: PubMed 25589632; PubMed 18948003; PubMed 23975875; PubMed 24395473; PubMed 27869827; PubMed 32964742.